The following is an entry in ClinVar:

ClinVar aggregate classification (germline): Uncertain significance (1 of 4 stars; one submission).

gnomAD v4.1: 12 of 1,612,106 alleles (0.00074%); highest among the groups gnomAD compares: Non-Finnish European, 0.001%; no homozygotes.

Submission:

Labcorp Genetics (formerly Invitae), Labcorp
Classification: Uncertain significance. Last evaluated: 2025-06-29. Review status: criteria provided, single submitter. Criteria: Invitae Variant Classification Sherloc (09022015). Collection method: clinical testing. Allele origin: germline.
Comment: This sequence change replaces serine, which is neutral and polar, with glycine, which is neutral and non-polar, at codon 343 of the MYO18B protein (p.Ser343Gly). This variant is not present in population databases (gnomAD no frequency). This variant has not been reported in the literature in individuals affected with MYO18B-related conditions. An algorithm developed to predict the effect of missense changes on protein structure and function outputs the following: PolyPhen-2: "Benign". The glycine amino acid residue is found in multiple mammalian species, which suggests that this missense change does not adversely affect protein function. In summary, the available evidence is currently insufficient to determine the role of this variant in disease. Therefore, it has been classified as a Variant of Uncertain Significance.

NM_032608.7(MYO18B):c.1027A>G (p.Ser343Gly)

Gene: MYO18B (myosin XVIIIB; plus strand). Cytogenetic location: 22q12.1.
Variant type: single nucleotide variant.
Coding change: c.1027A>G on transcript NM_032608.7 (MANE Select); coding-DNA position 1027, A replaced by G.
Protein change: p.Ser343Gly; replaces serine 343 with glycine.
Molecular consequence: missense variant.
Genome position (GRCh38, 1-based): chr22:25,768,943, A>G. VCF-style: chr22-25768943-A-G. GRCh37 (hg19) VCF-style: chr22-26164910-A-G.
Other names: c.1027A>G, p.Ser343Gly (NM_001318245.2); short protein forms S343G.
Identifiers: ClinVar variation 4693817 (VCV004693817.1).